The following is an entry in ClinVar:

ClinVar aggregate classification (germline): Uncertain significance (1 of 4 stars; one submission).

gnomAD v4.1: 43 of 1,584,272 alleles (0.0027%); highest among the groups gnomAD compares: African/African-American, 0.049%; no homozygotes.

Submission:

GeneDx
Classification: Uncertain significance. Last evaluated: 2024-02-23. Review status: criteria provided, single submitter. Criteria: GeneDx Variant Classification Process June 2021. Collection method: clinical testing. Allele origin: germline. Affected: yes.
Comment: In silico analysis supports that this missense variant does not alter protein structure/function; Has not been previously published as pathogenic or benign to our knowledge

NM_001377.3(DYNC2H1):c.1297A>G (p.Ile433Val)

Gene: DYNC2H1 (dynein cytoplasmic 2 heavy chain 1; plus strand). Cytogenetic location: 11q22.3.
Variant type: single nucleotide variant.
Coding change: c.1297A>G on transcript NM_001377.3 (MANE Select); coding-DNA position 1297, A replaced by G.
Protein change: p.Ile433Val; replaces isoleucine 433 with valine.
Molecular consequence: missense variant.
Genome position (GRCh38, 1-based): chr11:103,120,973, A>G. VCF-style: chr11-103120973-A-G. GRCh37 (hg19) VCF-style: chr11-102991702-A-G.
Other names: c.1297A>G, p.Ile433Val (NM_001080463.2); short protein forms I433V.
Identifiers: ClinVar variation 3369570 (VCV003369570.1).